The following is an entry in ClinVar:

ClinVar aggregate classification (germline): Uncertain significance (1 of 4 stars; one submission).

Conditions:
Neuronopathy, distal hereditary motor, autosomal recessive 4. Also called: NEUROPATHY, DISTAL HEREDITARY MOTOR, AUTOSOMAL RECESSIVE 4; Autosomal recessive lower motor neuron disease with childhood onset. Identifiers: Orphanet 206580, MedGen C1970211, MONDO:0012608, OMIM 611067.
Charcot-Marie-Tooth disease recessive intermediate C. Also called: CHARCOT-MARIE-TOOTH NEUROPATHY, RECESSIVE INTERMEDIATE C. Identifiers: Orphanet 369867, MedGen C3809309, MONDO:0014154, OMIM 615376.

gnomAD v4.1: 3 of 1,604,888 alleles (0.00019%); highest among the groups gnomAD compares: East Asian, 0.0067%; no homozygotes.

Submission:

Labcorp Genetics (formerly Invitae), Labcorp
Classification: Uncertain significance for Neuronopathy, distal hereditary motor, autosomal recessive 4; Charcot-Marie-Tooth disease recessive intermediate C. Last evaluated: 2025-09-12. Review status: criteria provided, single submitter. Criteria: Invitae Variant Classification Sherloc (09022015). Collection method: clinical testing. Allele origin: germline.
Comment: This sequence change falls in intron 10 of the PLEKHG5 gene. It does not directly change the encoded amino acid sequence of the PLEKHG5 protein. This variant is present in population databases (rs773593280, gnomAD 0.03%). This variant has not been reported in the literature in individuals affected with PLEKHG5-related conditions. Algorithms developed to predict the effect of sequence changes on RNA splicing suggest that this variant may disrupt the consensus splice site. In summary, the available evidence is currently insufficient to determine the role of this variant in disease. Therefore, it has been classified as a Variant of Uncertain Significance.

NM_020631.6(PLEKHG5):c.1081-8T>G

Gene: PLEKHG5 (pleckstrin homology and RhoGEF domain containing G5; minus strand). Cytogenetic location: 1p36.31.
Variant type: single nucleotide variant.
Coding change: c.1081-8T>G on transcript NM_020631.6 (MANE Select); 8 bases into the intron before coding-DNA position 1081, T replaced by G.
Molecular consequence: intron variant.
Genome position (GRCh38, 1-based): chr1:6,471,816, A>C on the plus strand (T>G on the coding strand, the complement: PLEKHG5 is on the minus strand). VCF-style: chr1-6471816-A-C. GRCh37 (hg19) VCF-style: chr1-6531876-A-C.
Other names: c.1192-8T>G (NM_001265592.2, NM_001042663.3); c.1081-8T>G (NM_001265594.3, NM_001042664.2, NM_001042665.2 and 1 more transcripts); c.1288-8T>G (NM_001265593.2).
Identifiers: ClinVar variation 4787565 (VCV004787565.1).
Genomic context (GRCh38, chr1:6,471,816, plus strand): 5'-ACCTCACACAGCAGCCCTGACTCTTGCAGGTTCAGGAGGCAGCACAGGAACAGCTGTGGG[A>C]TCAGGGGATGGTGTGACTGGGGTCGGGAGGCTGTCTCAGCCCTAGGGCCCCACCCAGCCT-3'